The following is an entry in ClinVar:

NM_000493.4(COL10A1):c.1430C>G (p.Pro477Arg)

Genes: COL10A1 (collagen type X alpha 1 chain; minus strand), NT5DC1 (5'-nucleotidase domain containing 1; plus strand). Cytogenetic location: 6q22.1.
Variant type: single nucleotide variant.
Coding change: c.1430C>G on transcript NM_000493.4 (MANE Select); coding-DNA position 1430, C replaced by G.
Protein change: p.Pro477Arg; replaces proline 477 with arginine.
Molecular consequence: missense variant. On other transcripts: intron variant (1).
Genome position (GRCh38, 1-based): chr6:116,120,686, G>C on the plus strand (C>G on the coding strand, the complement: COL10A1 is on the minus strand). VCF-style: chr6-116120686-G-C. GRCh37 (hg19) VCF-style: chr6-116441849-G-C.
Other names: c.1430C>G, p.Pro477Arg (NM_001424106.1, NM_001424107.1); c.529+2741G>C (NM_152729.3); short protein forms P477R.
Identifiers: ClinVar variation 2133499 (VCV002133499.4), dbSNP rs751106978, ClinGen allele CA3968180.

ClinVar aggregate classification (germline): Uncertain significance (1 of 4 stars; one submission).

Allele frequency attached by ClinVar (database versions not stated): gnomAD exomes 0.00001; gnomAD 0.00001; ExAC 0.00001.
gnomAD v4.1: 5 of 1,547,934 alleles (0.00032%); highest among the groups gnomAD compares: Non-Finnish European, 0.00043%; no homozygotes.

Submission:

Labcorp Genetics (formerly Invitae), Labcorp
Classification: Uncertain significance. Last evaluated: 2025-08-18. Review status: criteria provided, single submitter. Criteria: Invitae Variant Classification Sherloc (09022015). Collection method: clinical testing. Allele origin: germline.
Comment: This sequence change replaces proline, which is neutral and non-polar, with arginine, which is basic and polar, at codon 477 of the COL10A1 protein (p.Pro477Arg). This variant is present in population databases (rs751106978, gnomAD 0.001%). This variant has not been reported in the literature in individuals affected with COL10A1-related conditions. ClinVar contains an entry for this variant (Variation ID: 2133499). Invitae Evidence Modeling of protein sequence and biophysical properties (such as structural, functional, and spatial information, amino acid conservation, physicochemical variation, residue mobility, and thermodynamic stability) has been performed for this missense variant. However, the output from this modeling did not meet the statistical confidence thresholds required to predict the impact of this variant on COL10A1 protein function. In summary, the available evidence is currently insufficient to determine the role of this variant in disease. Therefore, it has been classified as a Variant of Uncertain Significance.